The following is an entry in ClinVar:

ClinVar aggregate classification (germline): Uncertain significance (1 of 4 stars; one submission).

Allele frequency attached by ClinVar (database versions not stated): gnomAD exomes below 0.00001.
gnomAD v4.1: 2 of 1,613,640 alleles (0.00012%); highest among the groups gnomAD compares: Non-Finnish European, 0.00017%; no homozygotes.

Submission:

Labcorp Genetics (formerly Invitae), Labcorp
Classification: Uncertain significance. Last evaluated: 2022-07-06. Review status: criteria provided, single submitter. Criteria: Invitae Variant Classification Sherloc (09022015). Collection method: clinical testing. Allele origin: germline.
Comment: In summary, the available evidence is currently insufficient to determine the role of this variant in disease. Therefore, it has been classified as a Variant of Uncertain Significance. Algorithms developed to predict the effect of missense changes on protein structure and function are either unavailable or do not agree on the potential impact of this missense change (SIFT: "Deleterious"; PolyPhen-2: "Probably Damaging"; Align-GVGD: "Class C0"). This variant has not been reported in the literature in individuals affected with SNRNP200-related conditions. This variant is not present in population databases (gnomAD no frequency). This sequence change replaces cysteine, which is neutral and slightly polar, with phenylalanine, which is neutral and non-polar, at codon 1706 of the SNRNP200 protein (p.Cys1706Phe).

NM_014014.5(SNRNP200):c.5117G>T (p.Cys1706Phe)

Genes: SNRNP200 (small nuclear ribonucleoprotein U5 subunit 200; minus strand), LOC126806272 (BRD4-independent group 4 enhancer GRCh37_chr2:96944520-96945719; plus strand). Cytogenetic location: 2q11.2.
Variant type: single nucleotide variant.
Coding change: c.5117G>T on transcript NM_014014.5 (MANE Select); coding-DNA position 5117, G replaced by T.
Protein change: p.Cys1706Phe; replaces cysteine 1706 with phenylalanine.
Molecular consequence: missense variant.
Genome position (GRCh38, 1-based): chr2:96,279,467, C>A on the plus strand (G>T on the coding strand, the complement: SNRNP200 is on the minus strand). VCF-style: chr2-96279467-C-A. GRCh37 (hg19) VCF-style: chr2-96945205-C-A.
Other names: short protein forms C1706F.
Identifiers: ClinVar variation 2014348 (VCV002014348.4), dbSNP rs2467315244, ClinGen allele CA347660798.
Genomic context (GRCh38, chr2:96,279,467, plus strand): 5'-TCTGAGGCTACGGATCCAAGAGGCTCCATGAGTCTAGGACTGACCTTCTTGGAGCCCTGA[C>A]ACATGATGACACAGCGCCCCTCATCGTCCTGCAAAGGGCGGTTGGCGTGGCCCACCATCT-3'
Protein context (NP_054733.2, residues 1696-1716): QDDEGRCVIM[Cys1706Phe]QGSKKDFFKK